The following is an entry in ClinVar:

NM_000088.4(COL1A1):c.298+1G>A

Gene: COL1A1 (collagen type I alpha 1 chain; minus strand). Cytogenetic location: 17q21.33.
Variant type: single nucleotide variant.
Coding change: c.298+1G>A on transcript NM_000088.4 (MANE Select); the canonical splice donor site of the intron after coding-DNA position 298, G replaced by A.
Molecular consequence: splice donor variant.
Genome position (GRCh38, 1-based): chr17:50,199,752, C>T on the plus strand (G>A on the coding strand, the complement: COL1A1 is on the minus strand). VCF-style: chr17-50199752-C-T. GRCh37 (hg19) VCF-style: chr17-48277113-C-T.
Identifiers: ClinVar variation 1490698 (VCV001490698.10), dbSNP rs2144593670, ClinGen allele CA400227991.

ClinVar aggregate classification (germline): Pathogenic/Likely pathogenic. Review status: criteria provided, multiple submitters, no conflicts (2 of 4 stars). 3 submissions from 3 submitters: Pathogenic (2); Likely pathogenic (1). Last evaluated 2025-06-18.

Conditions:
Osteogenesis imperfecta type I (OI1). Also called: Lobstein disease; Lobstein's Disease; OI, TYPE I; OSTEOGENESIS IMPERFECTA TARDA; OSTEOGENESIS IMPERFECTA WITH BLUE SCLERAE; Osteogenesis imperfecta type 1. Identifiers: Orphanet 216796, Orphanet 666, MedGen C0023931, MONDO:0008146, OMIM 166200. Disease mechanism: loss of function.

Submissions (3):

Clinical Biomedical Laboratory, Shriners Hospital For Children - Canada
Classification: Pathogenic for Osteogenesis imperfecta type I. Last evaluated: 2025-06-18. Review status: criteria provided, single submitter. Criteria: ACMG Guidelines, 2015. Collection method: clinical testing. Allele origin: germline. Affected: yes.
Comment: This variant affects a canonical splice site in COL1A1. The variant is not present in the gnomAD database (v.2.1.1) and is predicted to affect splicing. Splice site variants in COL1A1 are a typical cause of osteogenesis imperfecta.

ARUP Laboratories, Molecular Genetics and Genomics, ARUP Laboratories
Classification: Likely pathogenic. Last evaluated: 2025-01-13. Review status: criteria provided, single submitter. Criteria: ARUP Molecular Germline Variant Investigation Process 2024. Collection method: clinical testing. Allele origin: germline.
Comment: The COL1A1 c.298+1G>A variant (rs2144593670, ClinVar Variation ID: 1490698) is reported in the literature in one individual affected with osteogenesis imperfecta type I (Lin 2024). This variant is absent from the Genome Aggregation Database (v2.1.1), indicating it is not a common polymorphism. This variant disrupts the canonical splice donor site of intron 2, which is likely to negatively impact gene function. Based on available information, this variant is considered to be likely pathogenic. References: Lin X et al. Genotype-phenotype relationship and comparison between eastern and western patients with osteogenesis imperfecta. J Endocrinol Invest. 2024 Jan;47(1):67-77. PMID: 37270749.

Labcorp Genetics (formerly Invitae), Labcorp
Classification: Pathogenic for Osteogenesis imperfecta type I. Last evaluated: 2023-02-16. Review status: criteria provided, single submitter. Criteria: Invitae Variant Classification Sherloc (09022015). Collection method: clinical testing. Allele origin: germline.
Comment: For these reasons, this variant has been classified as Pathogenic. Algorithms developed to predict the effect of sequence changes on RNA splicing suggest that this variant may disrupt the consensus splice site. ClinVar contains an entry for this variant (Variation ID: 1490698). Disruption of this splice site has been observed in individuals with clinical features of osteogenesis imperfecta (Invitae). This variant is not present in population databases (gnomAD no frequency). This sequence change affects a donor splice site in intron 2 of the COL1A1 gene. It is expected to disrupt RNA splicing. Variants that disrupt the donor or acceptor splice site typically lead to a loss of protein function (PMID: 16199547), and loss-of-function variants in COL1A1 are known to be pathogenic (PMID: 7942841, 9295084, 9443882).

Literature cited by the submitters: PubMed 16199547 (cited by Labcorp Genetics (formerly Invitae), Labcorp); PubMed 7942841 (cited by Labcorp Genetics (formerly Invitae), Labcorp); PubMed 9295084 (cited by Labcorp Genetics (formerly Invitae), Labcorp); PubMed 9443882 (cited by Labcorp Genetics (formerly Invitae), Labcorp).